The following is an entry in ClinVar:

NM_001267550.2(TTN):c.64752_64756del (p.Leu21585fs)

Genes: TTN-AS1 (TTN antisense RNA 1; plus strand), TTN (titin; minus strand). Cytogenetic location: 2q31.2.
Variant type: Deletion.
Coding change: c.64752_64756del on transcript NM_001267550.2 (MANE Select); coding-DNA positions 64752 to 64756, 5 bases deleted (TCTGG; older notation c.64752_64756delTCTGG).
Protein change: p.Leu21585fs; shifts the reading frame from leucine 21585.
Molecular consequence: frameshift variant. On other transcripts: non-coding transcript variant (1).
Genome position (GRCh38, 1-based): chr2:178,584,885-178,584,889, CCAGA deleted on the plus strand (TCTGG on the coding strand, the reverse complement: TTN is on the minus strand). VCF-style (leftmost placement, unchanged base first): chr2-178584884-TCCAGA-T. GRCh37 (hg19) VCF-style: chr2-179449611-TCCAGA-T.
Other names: c.59829_59833del, p.Leu19944fs (NM_001256850.1); c.37557_37561del, p.Leu12520fs (NM_003319.4); c.57048_57052del, p.Leu19017fs (NM_133378.4); c.37932_37936del, p.Leu12645fs (NM_133432.3); c.38133_38137del, p.Leu12712fs (NM_133437.4); short protein forms L12520fs, L12645fs, L12712fs, L19017fs, L19944fs, L21585fs.
Identifiers: ClinVar variation 2574055 (VCV002574055.1), dbSNP rs2469157686, ClinGen allele CA2697551390.

ClinVar aggregate classification (germline): Likely pathogenic (0 of 4 stars; one submission).

Conditions:
Dilated cardiomyopathy 1G (CMD1G). Identifiers: Orphanet 154, MedGen C1858763, MONDO:0011400, OMIM 604145.

Submission:

deCODE genetics, Amgen
Classification: Likely pathogenic for Dilated cardiomyopathy 1G. Last evaluated: 2023-07-21. Review status: no assertion criteria provided. Collection method: research. Allele origin: germline. Affected: yes. Observed: 1 variant allele.
Comment: The variant NM_001267550.2:c.64752_64756del (chr2:178584884) in TTN was detected in 1 heterozygote out of 58K WGS Icelanders (MAF= 0,001%). This variant has not been reported in ClinVar previously. Based on ACMG criteria (PVS1, PM2) this variant classifies as likely pathogenic.